The following is an entry in ClinVar:

ClinVar aggregate classification (germline): Uncertain significance (1 of 4 stars; one submission).

Conditions:
Hereditary nonpolyposis colorectal neoplasms. Identifiers: MedGen C0009405, MeSH D003123.

Allele frequency attached by ClinVar (database versions not stated): gnomAD exomes below 0.00001.
gnomAD v4.1: 1 of 1,614,130 alleles (0.000062%); highest among the groups gnomAD compares: Non-Finnish European, 0.000085%; no homozygotes.

Submission:

Labcorp Genetics (formerly Invitae), Labcorp
Classification: Uncertain significance for Hereditary nonpolyposis colorectal neoplasms. Last evaluated: 2025-06-20. Review status: criteria provided, single submitter. Criteria: Invitae Variant Classification Sherloc (09022015). Collection method: clinical testing. Allele origin: germline.
Comment: This sequence change replaces valine, which is neutral and non-polar, with alanine, which is neutral and non-polar, at codon 1232 of the MSH6 protein (p.Val1232Ala). This variant is not present in population databases (gnomAD no frequency). This variant has not been reported in the literature in individuals affected with MSH6-related conditions. ClinVar contains an entry for this variant (Variation ID: 2857990). Invitae Evidence Modeling of protein sequence and biophysical properties (such as structural, functional, and spatial information, amino acid conservation, physicochemical variation, residue mobility, and thermodynamic stability) indicates that this missense variant is not expected to disrupt MSH6 protein function with a negative predictive value of 95%. In summary, the available evidence is currently insufficient to determine the role of this variant in disease. Therefore, it has been classified as a Variant of Uncertain Significance.

NM_000179.3(MSH6):c.3695T>C (p.Val1232Ala)

Gene: MSH6 (mutS homolog 6; plus strand). Cytogenetic location: 2p16.3.
Variant type: single nucleotide variant.
Coding change: c.3695T>C on transcript NM_000179.3 (MANE Select); coding-DNA position 3695, T replaced by C.
Protein change: p.Val1232Ala; replaces valine 1232 with alanine.
Molecular consequence: missense variant. On other transcripts: non-coding transcript variant (5).
Genome position (GRCh38, 1-based): chr2:47,806,252, T>C. VCF-style: chr2-47806252-T-C. GRCh37 (hg19) VCF-style: chr2-48033391-T-C.
Other names: c.3398T>C, p.Val1133Ala (NM_001406818.1, NM_001406819.1, NM_001406820.1 and 10 more transcripts); c.2789T>C, p.Val930Ala (NM_001406823.1, NM_001281493.2, NM_001281494.2 and 6 more transcripts); c.3527T>C, p.Val1176Ala (NM_001406826.1); c.3305T>C, p.Val1102Ala (NM_001281492.2); c.3791T>C, p.Val1264Ala (NM_001406795.1, NM_001406802.1); c.3695T>C, p.Val1232Ala (NM_001406796.1, NM_001406800.1, NM_001406808.1 and 1 more transcripts); c.3521T>C, p.Val1174Ala (NM_001406798.1); c.3170T>C, p.Val1057Ala (NM_001406799.1, NM_001406806.1, NM_001406807.1); and 7 more; short protein forms V1174A, V1232A, V1234A, V547A, V1102A, V1133A, V181A, V930A.
Identifiers: ClinVar variation 2857990 (VCV002857990.3), dbSNP rs786202887, ClinGen allele CA346760968.